The following is an entry in ClinVar:

NM_006514.4(SCN10A):c.742G>C (p.Asp248His)

Gene: SCN10A (sodium voltage-gated channel alpha subunit 10; minus strand). Cytogenetic location: 3p22.2.
Variant type: single nucleotide variant.
Coding change: c.742G>C on transcript NM_006514.4 (MANE Select); coding-DNA position 742, G replaced by C.
Protein change: p.Asp248His; replaces aspartic acid 248 with histidine.
Molecular consequence: missense variant.
Genome position (GRCh38, 1-based): chr3:38,761,333, C>G on the plus strand (G>C on the coding strand, the complement: SCN10A is on the minus strand). VCF-style: chr3-38761333-C-G. GRCh37 (hg19) VCF-style: chr3-38802824-C-G.
Other names: c.742G>C (NM_006514.2); c.742G>C, p.Asp248His (NM_001293306.2, NM_001293307.2); short protein forms D248H.
Identifiers: ClinVar variation 1055908 (VCV001055908.2), dbSNP rs754623438, ClinGen allele CA2321082.

ClinVar aggregate classification (germline): Uncertain significance. Review status: criteria provided, multiple submitters, no conflicts (2 of 4 stars). 2 submissions from 2 submitters: Uncertain significance (2). Last evaluated 2026-09-01.

Conditions:
Brugada syndrome. Also called: Sudden unexpected nocturnal death syndrome; Sudden Unexplained Death Syndrome; Sudden Unexplained Nocturnal Death Syndrome (SUNDS); Sudden unexplained nocturnal death syndrome. Identifiers: Orphanet 130, MedGen C1142166, MONDO:0015263.
Cardiovascular phenotype. Identifiers: MedGen CN230736.

Allele frequency attached by ClinVar (database versions not stated): ExAC 0.00001; gnomAD 0.00003; gnomAD exomes 0.00001.
gnomAD v4.1: 6 of 1,613,794 alleles (0.00037%); highest among the groups gnomAD compares: African/African-American, 0.0067%; no homozygotes.

Submissions (2):

Ambry Genetics
Classification: Uncertain significance for Cardiovascular phenotype. Last evaluated: 2026-09-01. Review status: criteria provided, single submitter. Criteria: Ambry Variant Classification Scheme 2023. Collection method: clinical testing. Allele origin: germline.
Comment: The p.D248H variant (also known as c.742G>C), located in coding exon 6 of the SCN10A gene, results from a G to C substitution at nucleotide position 742. The aspartic acid at codon 248 is replaced by histidine, an amino acid with similar properties. This amino acid position is well conserved in available vertebrate species. In addition, this alteration is predicted to be deleterious by in silico analysis. The evidence for this gene-disease relationship is limited; therefore, the clinical significance of this variant is unclear.

Labcorp Genetics (formerly Invitae), Labcorp
Classification: Uncertain significance for Brugada syndrome. Last evaluated: 2020-02-03. Review status: criteria provided, single submitter. Criteria: Invitae Variant Classification Sherloc (09022015). Collection method: clinical testing. Allele origin: germline.
Comment: This sequence change replaces aspartic acid with histidine at codon 248 of the SCN10A protein (p.Asp248His). The aspartic acid residue is highly conserved and there is a moderate physicochemical difference between aspartic acid and histidine. This variant is present in population databases (rs754623438, ExAC 0.01%). This variant has not been reported in the literature in individuals with SCN10A-related conditions. Algorithms developed to predict the effect of missense changes on protein structure and function (SIFT, PolyPhen-2, Align-GVGD) all suggest that this variant is likely to be disruptive, but these predictions have not been confirmed by published functional studies and their clinical significance is uncertain. In summary, the available evidence is currently insufficient to determine the role of this variant in disease. Therefore, it has been classified as a Variant of Uncertain Significance.